The following is an entry in ClinVar:

ClinVar aggregate classification (germline): Uncertain significance. Review status: criteria provided, multiple submitters, no conflicts (2 of 4 stars). 4 submissions from 4 submitters: Uncertain significance (3). 1 of the submissions does not count toward it. Last evaluated 2025-01-04.

Conditions:
Fanconi anemia (FA). Also called: Fanconi's anemia. Identifiers: Orphanet 84, MedGen C0015625, MeSH D005199, MONDO:0019391.
Inborn genetic diseases. Identifiers: MedGen C0950123, MeSH D030342.
Fanconi anemia complementation group G. Also called: FANCG-Related Fanconi Anemia; Fanconi anemia group G. Identifiers: Orphanet 84, MedGen C3469527, MONDO:0013565, OMIM 614082.

Allele frequency attached by ClinVar (database versions not stated): gnomAD exomes below 0.00001.

Submissions (4):

Ambry Genetics
Classification: Uncertain significance for Inborn genetic diseases. Last evaluated: 2025-01-04. Review status: criteria provided, single submitter. Criteria: Ambry Variant Classification Scheme 2023. Collection method: clinical testing. Allele origin: germline.
Comment: The p.L60F variant (also known as c.178C>T), located in coding exon 3 of the FANCG gene, results from a C to T substitution at nucleotide position 178. The leucine at codon 60 is replaced by phenylalanine, an amino acid with highly similar properties. This amino acid position is conserved. In addition, the in silico prediction for this alteration is inconclusive. Based on the available evidence, the clinical significance of this variant remains unclear.

Fulgent Genetics
Classification: Uncertain significance for Fanconi anemia complementation group G. Last evaluated: 2022-01-04. Review status: criteria provided, single submitter. Criteria: ACMG Guidelines, 2015. Collection method: clinical testing. Allele origin: unknown.

Labcorp Genetics (formerly Invitae), Labcorp
Classification: Uncertain significance for Fanconi anemia. Last evaluated: 2021-09-01. Review status: criteria provided, single submitter. Criteria: Invitae Variant Classification Sherloc (09022015). Collection method: clinical testing. Allele origin: germline.
Comment: This sequence change replaces leucine with phenylalanine at codon 60 of the FANCG protein (p.Leu60Phe). The leucine residue is highly conserved and there is a small physicochemical difference between leucine and phenylalanine. This variant is not present in population databases (ExAC no frequency). This variant has not been reported in the literature in individuals affected with FANCG-related conditions. Algorithms developed to predict the effect of missense changes on protein structure and function are either unavailable or do not agree on the potential impact of this missense change (SIFT: "Deleterious"; PolyPhen-2: "Probably Damaging"; Align-GVGD: "Class C0"). In summary, the available evidence is currently insufficient to determine the role of this variant in disease. Therefore, it has been classified as a Variant of Uncertain Significance.

Natera, Inc.
Classification: Uncertain significance for Fanconi anemia group G. Last evaluated: 2021-05-14. Review status: no assertion criteria provided. Collection method: clinical testing. Allele origin: germline. Not counted in ClinVar's aggregate classification.

NM_004629.2(FANCG):c.178C>T (p.Leu60Phe)

Gene: FANCG (FA complementation group G; minus strand). Cytogenetic location: 9p13.3.
Variant type: single nucleotide variant.
Coding change: c.178C>T on transcript NM_004629.2 (MANE Select); coding-DNA position 178, C replaced by T.
Protein change: p.Leu60Phe; replaces leucine 60 with phenylalanine.
Molecular consequence: missense variant.
Genome position (GRCh38, 1-based): chr9:35,078,734, G>A on the plus strand (C>T on the coding strand, the complement: FANCG is on the minus strand). VCF-style: chr9-35078734-G-A. GRCh37 (hg19) VCF-style: chr9-35078731-G-A.
Other names: short protein forms L60F.
Identifiers: ClinVar variation 843841 (VCV000843841.11), dbSNP rs1026058105, ClinGen allele CA192696607.